The following is an entry in ClinVar:

ClinVar aggregate classification (germline): Uncertain significance (1 of 4 stars; one submission).

Conditions:
Catecholaminergic polymorphic ventricular tachycardia 1. Also called: VENTRICULAR TACHYCARDIA, STRESS-INDUCED POLYMORPHIC 1; VENTRICULAR TACHYCARDIA, CATECHOLAMINERGIC POLYMORPHIC, 1, WITH OR WITHOUT ATRIAL DYSFUNCTION AND/OR DILATED CARDIOMYOPATHY; RYR2-Related Catecholaminergic Polymorphic Ventricular Tachycardia. Identifiers: Orphanet 3286, MedGen C1631597, MONDO:0011484, OMIM 604772.

Allele frequency attached by ClinVar (database versions not stated): gnomAD exomes below 0.00001.
gnomAD v4.1: 1 of 1,609,724 alleles (0.000062%); highest among the groups gnomAD compares: South Asian, 0.0011%; no homozygotes.

Submission:

Labcorp Genetics (formerly Invitae), Labcorp
Classification: Uncertain significance for Catecholaminergic polymorphic ventricular tachycardia 1. Last evaluated: 2024-04-16. Review status: criteria provided, single submitter. Criteria: Invitae Variant Classification Sherloc (09022015). Collection method: clinical testing. Allele origin: germline.
Comment: This sequence change replaces glutamic acid, which is acidic and polar, with aspartic acid, which is acidic and polar, at codon 2001 of the RYR2 protein (p.Glu2001Asp). This variant is not present in population databases (gnomAD no frequency). This variant has not been reported in the literature in individuals affected with RYR2-related conditions. ClinVar contains an entry for this variant (Variation ID: 2177831). Advanced modeling of protein sequence and biophysical properties (such as structural, functional, and spatial information, amino acid conservation, physicochemical variation, residue mobility, and thermodynamic stability) performed at Invitae indicates that this missense variant is not expected to disrupt RYR2 protein function with a negative predictive value of 95%. In summary, the available evidence is currently insufficient to determine the role of this variant in disease. Therefore, it has been classified as a Variant of Uncertain Significance.

NM_001035.3(RYR2):c.6003A>C (p.Glu2001Asp)

Gene: RYR2 (ryanodine receptor 2; plus strand). Cytogenetic location: 1q43.
Variant type: single nucleotide variant.
Coding change: c.6003A>C on transcript NM_001035.3 (MANE Select); coding-DNA position 6003, A replaced by C.
Protein change: p.Glu2001Asp; replaces glutamic acid 2001 with aspartic acid.
Molecular consequence: missense variant.
Genome position (GRCh38, 1-based): chr1:237,623,851, A>C. VCF-style: chr1-237623851-A-C. GRCh37 (hg19) VCF-style: chr1-237787151-A-C.
Other names: short protein forms E2001D.
Identifiers: ClinVar variation 2177831 (VCV002177831.4), dbSNP rs1679360695, ClinGen allele CA345408328.